The following is an entry in ClinVar:

NM_001792.5(CDH2):c.1618C>G (p.Pro540Ala)

Gene: CDH2 (cadherin 2; minus strand). Cytogenetic location: 18q12.1.
Variant type: single nucleotide variant.
Coding change: c.1618C>G on transcript NM_001792.5 (MANE Select); coding-DNA position 1618, C replaced by G.
Protein change: p.Pro540Ala; replaces proline 540 with alanine.
Molecular consequence: missense variant.
Genome position (GRCh38, 1-based): chr18:27,988,647, G>C on the plus strand (C>G on the coding strand, the complement: CDH2 is on the minus strand). VCF-style: chr18-27988647-G-C. GRCh37 (hg19) VCF-style: chr18-25568611-G-C.
Other names: c.1525C>G, p.Pro509Ala (NM_001308176.2); short protein forms P509A, P540A.
Identifiers: ClinVar variation 3672973 (VCV003672973.2).
Genomic context (GRCh38, chr18:27,988,647, plus strand): 5'-CCAAAACAGCAATTGTAGTTATTTGTCCATTCACAGGATCTATTTTTAGCCAATTGGCAG[G>C]ATCAGATAATTTAGTGTATCTACAAAATGAAAGTGAAGTTTAATTTCTTTTTATGAAACT-3'
Protein context (NP_001783.2, residues 530-550): QNIRYTKLSD[Pro540Ala]ANWLKIDPVN

ClinVar aggregate classification (germline): Uncertain significance (1 of 4 stars; one submission).

gnomAD v4.1: 1 of 1,604,224 alleles (0.000062%); highest among the groups gnomAD compares: Admixed American, 0.0017%; no homozygotes.

Submission:

Labcorp Genetics (formerly Invitae), Labcorp
Classification: Uncertain significance. Last evaluated: 2024-02-16. Review status: criteria provided, single submitter. Criteria: Invitae Variant Classification Sherloc (09022015). Collection method: clinical testing. Allele origin: germline.
Comment: This sequence change replaces proline, which is neutral and non-polar, with alanine, which is neutral and non-polar, at codon 540 of the CDH2 protein (p.Pro540Ala). This variant is not present in population databases (gnomAD no frequency). This variant has not been reported in the literature in individuals affected with CDH2-related conditions. An algorithm developed to predict the effect of missense changes on protein structure and function (PolyPhen-2) suggests that this variant is likely to be tolerated. In summary, the available evidence is currently insufficient to determine the role of this variant in disease. Therefore, it has been classified as a Variant of Uncertain Significance.